The following is an entry in ClinVar:

ClinVar aggregate classification (germline): Conflicting classifications of pathogenicity. Review status: criteria provided, conflicting classifications (1 of 4 stars). 2 submissions from 1 submitter: Uncertain significance (1); Benign (1). Last evaluated 2018-01-13.

Conditions:
Dilated cardiomyopathy 1HH (CMD1HH). Identifiers: Orphanet 154, MedGen C3151293, MONDO:0013479, OMIM 613881.
Myofibrillar myopathy 6. Identifiers: Orphanet 199340, MedGen C2751831, MONDO:0013061, OMIM 612954.

Allele frequency attached by ClinVar (database versions not stated): 1000 Genomes Project 0.00379; 1000 Genomes Project 30x 0.00422; gnomAD 0.00867; TOPMed 0.00972.
gnomAD v4.1: 3,406 of 346,902 alleles (0.98%); highest among the groups gnomAD compares: Non-Finnish European, 1.5%; 26 homozygotes.

Submissions (2):

Illumina Laboratory Services, Illumina
Classification: Benign for Myofibrillar myopathy 6. Last evaluated: 2018-01-13. Review status: criteria provided, single submitter. Criteria: ICSL Variant Classification Criteria 13 December 2019. Collection method: clinical testing. Allele origin: germline.
Comment: This variant was observed in the ICSL laboratory as part of a predisposition screen in an ostensibly healthy population. It had not been previously curated by ICSL or reported in the Human Gene Mutation Database (HGMD: prior to June 1st, 2018), and was therefore a candidate for classification through an automated scoring system. Utilizing variant allele frequency, disease prevalence and penetrance estimates, and inheritance mode, an automated score was calculated to assess if this variant is too frequent to cause the disease. Based on the score and internal cut-off values, a variant classified as benign is not then subjected to further curation. The score for this variant resulted in a classification of benign for this disease.

Illumina Laboratory Services, Illumina
Classification: Uncertain significance for Dilated cardiomyopathy 1HH. Last evaluated: 2018-01-13. Review status: criteria provided, single submitter. Criteria: ICSL Variant Classification Criteria 13 December 2019. Collection method: clinical testing. Allele origin: germline.

NM_004281.4(BAG3):c.-271C>T

Gene: BAG3 (BAG cochaperone 3; plus strand). Cytogenetic location: 10q26.11.
Variant type: single nucleotide variant.
Coding change: c.-271C>T on transcript NM_004281.4 (MANE Select); 271 bases upstream of the start codon, C replaced by T.
Molecular consequence: 5 prime UTR variant.
Genome position (GRCh38, 1-based): chr10:119,651,405, C>T. VCF-style: chr10-119651405-C-T. GRCh37 (hg19) VCF-style: chr10-121410917-C-T.
Identifiers: ClinVar variation 298952 (VCV000298952.5), dbSNP rs144814361, ClinGen allele CA10631053.